The following is an entry in ClinVar:

NM_005591.4(MRE11):c.608C>A (p.Pro203Gln)

Gene: MRE11 (MRE11 double strand break repair nuclease; minus strand). Cytogenetic location: 11q21.
Variant type: single nucleotide variant.
Coding change: c.608C>A on transcript NM_005591.4 (MANE Select); coding-DNA position 608, C replaced by A.
Protein change: p.Pro203Gln; replaces proline 203 with glutamine.
Molecular consequence: missense variant.
Genome position (GRCh38, 1-based): chr11:94,476,340, G>T on the plus strand (C>A on the coding strand, the complement: MRE11 is on the minus strand). VCF-style: chr11-94476340-G-T. GRCh37 (hg19) VCF-style: chr11-94209506-G-T.
Other names: c.608C>A, p.Pro203Gln (NM_001330347.2, NM_005590.4); short protein forms P203Q.
Identifiers: ClinVar variation 3874315 (VCV003874315.1).

ClinVar aggregate classification (germline): Uncertain significance (1 of 4 stars; one submission).

Conditions:
Hereditary cancer-predisposing syndrome. Also called: Tumor predisposition; Neoplastic Syndromes, Hereditary; Hereditary Cancer Syndrome; Hereditary neoplastic syndrome. Identifiers: Orphanet 140162, MedGen C0027672, MeSH D009386, MONDO:0015356.

Submission:

Ambry Genetics
Classification: Uncertain significance for Hereditary cancer-predisposing syndrome. Last evaluated: 2024-12-27. Review status: criteria provided, single submitter. Criteria: Ambry Variant Classification Scheme 2023. Collection method: clinical testing. Allele origin: germline.
Comment: The p.P203Q variant (also known as c.608C>A), located in coding exon 6 of the MRE11A gene, results from a C to A substitution at nucleotide position 608. The proline at codon 203 is replaced by glutamine, an amino acid with similar properties. This amino acid position is conserved. In addition, this alteration is predicted to be deleterious by in silico analysis. Based on the available evidence, the clinical significance of this variant remains unclear.